The following is an entry in ClinVar:

NM_000156.6(GAMT):c.226T>C (p.Ser76Pro)

Gene: GAMT (guanidinoacetate N-methyltransferase; minus strand). Cytogenetic location: 19p13.3.
Variant type: single nucleotide variant.
Coding change: c.226T>C on transcript NM_000156.6 (MANE Select); coding-DNA position 226, T replaced by C.
Protein change: p.Ser76Pro; replaces serine 76 with proline.
Molecular consequence: missense variant.
Genome position (GRCh38, 1-based): chr19:1,399,894, A>G on the plus strand (T>C on the coding strand, the complement: GAMT is on the minus strand). VCF-style: chr19-1399894-A-G. GRCh37 (hg19) VCF-style: chr19-1399893-A-G.
Other names: c.226T>C, p.Ser76Pro (NM_138924.3); short protein forms S76P.
Identifiers: ClinVar variation 864104 (VCV000864104.3), dbSNP rs1340590108, ClinGen allele CA402996936.

ClinVar aggregate classification (germline): Uncertain significance (1 of 4 stars; one submission).

Conditions:
Cerebral creatine deficiency syndrome. Also called: Creatine deficiency syndromes. Identifiers: Orphanet 79172, MedGen C5244016, MONDO:0000456.

Allele frequency attached by ClinVar (database versions not stated): gnomAD 0.00001; gnomAD exomes 0.00001.
gnomAD v4.1: 20 of 1,608,540 alleles (0.0012%); highest among the groups gnomAD compares: Non-Finnish European, 0.0015%; no homozygotes.

Submission:

Labcorp Genetics (formerly Invitae), Labcorp
Classification: Uncertain significance for Cerebral creatine deficiency syndrome. Last evaluated: 2021-09-01. Review status: criteria provided, single submitter. Criteria: Invitae Variant Classification Sherloc (09022015). Collection method: clinical testing. Allele origin: germline.
Comment: This sequence change replaces serine with proline at codon 76 of the GAMT protein (p.Ser76Pro). The serine residue is moderately conserved and there is a moderate physicochemical difference between serine and proline. This variant is not present in population databases (ExAC no frequency). This variant has not been reported in the literature in individuals affected with GAMT-related conditions. Algorithms developed to predict the effect of missense changes on protein structure and function are either unavailable or do not agree on the potential impact of this missense change (SIFT: "Deleterious"; PolyPhen-2: "Benign"; Align-GVGD: "Class C0"). In summary, the available evidence is currently insufficient to determine the role of this variant in disease. Therefore, it has been classified as a Variant of Uncertain Significance.